The following is an entry in ClinVar:

NM_003079.5(SMARCE1):c.-2A>G

Gene: SMARCE1 (SWI/SNF related BAF chromatin remodeling complex subunit E1; minus strand). Cytogenetic location: 17q21.2.
Variant type: single nucleotide variant.
Coding change: c.-2A>G on transcript NM_003079.5 (MANE Select); 2 bases upstream of the start codon, A replaced by G.
Molecular consequence: 5 prime UTR variant.
Genome position (GRCh38, 1-based): chr17:40,645,804, T>C on the plus strand (A>G on the coding strand, the complement: SMARCE1 is on the minus strand). VCF-style: chr17-40645804-T-C. GRCh37 (hg19) VCF-style: chr17-38802056-T-C.
Identifiers: ClinVar variation 4864855 (VCV004864855.1).
Genomic context (GRCh38, chr17:40,645,804, plus strand): 5'-GGCATTAGTCTCTTATTAACATAGATTGATAAATATAAAAATTGAAACTTACTTGACATT[T>C]TGGAAGATTAAGTTCTCAGTTCCTTAAGAATGAATCTGAGACACTAAAATAAAAAAAAAA-3'

ClinVar aggregate classification (germline): Uncertain significance (1 of 4 stars; one submission).

Conditions:
Hereditary cancer-predisposing syndrome. Also called: Neoplastic Syndromes, Hereditary; Tumor predisposition; Hereditary Cancer Syndrome; Hereditary neoplastic syndrome. Identifiers: Orphanet 140162, MedGen C0027672, MeSH D009386, MONDO:0015356.

gnomAD v4.1: 1 of 1,163,344 alleles (0.000086%); highest among the groups gnomAD compares: Non-Finnish European, 0.00012%; no homozygotes.

Submission:

Ambry Genetics
Classification: Uncertain significance for Hereditary cancer-predisposing syndrome. Last evaluated: 2026-03-16. Review status: criteria provided, single submitter. Criteria: Ambry Variant Classification Scheme 2023. Collection method: clinical testing. Allele origin: germline.
Comment: The c.-2A>G variant is located in the 5' untranslated region (5&rsquo; UTR) of the SMARCE1 gene. This variant results from an A to G substitution 2 bases upstream from the first translated codon. This nucleotide position is highly conserved in available vertebrate species. Based on the available evidence, the clinical significance of this variant remains unclear.